The following is an entry in ClinVar:

NM_001142966.3(GREB1L):c.395T>G (p.Leu132Arg)

Genes: GREB1L (GREB1 like retinoic acid receptor coactivator; plus strand), GREB1L-AS1 (GREB1L antisense RNA 1; minus strand). Cytogenetic location: 18q11.1.
Variant type: single nucleotide variant.
Coding change: c.395T>G on transcript NM_001142966.3 (MANE Select); coding-DNA position 395, T replaced by G.
Protein change: p.Leu132Arg; replaces leucine 132 with arginine.
Molecular consequence: missense variant.
Genome position (GRCh38, 1-based): chr18:21,395,424, T>G. VCF-style: chr18-21395424-T-G. GRCh37 (hg19) VCF-style: chr18-18975385-T-G.
Other names: c.395T>G (NM_001142966.1); c.395T>G, p.Leu132Arg (NM_001410867.1, NM_001410868.1); short protein forms L132R.
Identifiers: ClinVar variation 3709506 (VCV003709506.3).
Genomic context (GRCh38, chr18:21,395,424, plus strand): 5'-TTTTTTTAAACTGGTTTTTAGGTTTTTGTCAAGCAGGAAAGGATTTGCGTTTGGTATCAC[T>G]GTGTATGGAACAAATTGACATCCCAGCAGGATTCCTCCTGGTGGGGGCCAAGTCTCCCAA-3'
Protein context (NP_001136438.1, residues 122-142): QAGKDLRLVS[Leu132Arg]CMEQIDIPAG

ClinVar aggregate classification (germline): Uncertain significance. Review status: criteria provided, multiple submitters, no conflicts (2 of 4 stars). 2 submissions from 2 submitters: Uncertain significance (2). Last evaluated 2025-03-02.

Conditions:
GREB1L-related disorder. Also called: GREB1L-related condition.

gnomAD v4.1: 148 of 1,551,154 alleles (0.0095%); highest among the groups gnomAD compares: Non-Finnish European, 0.012%; no homozygotes.

Submissions (2):

PreventionGenetics, part of Exact Sciences
Classification: Uncertain significance for GREB1L-related condition. Last evaluated: 2025-03-02. Review status: criteria provided, single submitter. Criteria: ACMG Guidelines, 2015. Collection method: clinical testing. Allele origin: germline.
Comment: The GREB1L c.395T>G variant is predicted to result in the amino acid substitution p.Leu132Arg. To our knowledge, this variant has not been reported in the literature. This variant is reported in 0.0079% of alleles in individuals of European (Non-Finnish) descent in gnomAD. At this time, the clinical significance of this variant is uncertain due to the absence of conclusive functional and genetic evidence.

Labcorp Genetics (formerly Invitae), Labcorp
Classification: Uncertain significance. Last evaluated: 2024-11-10. Review status: criteria provided, single submitter. Criteria: Invitae Variant Classification Sherloc (09022015). Collection method: clinical testing. Allele origin: germline.
Comment: This sequence change replaces leucine, which is neutral and non-polar, with arginine, which is basic and polar, at codon 132 of the GREB1L protein (p.Leu132Arg). This variant is present in population databases (rs774936181, gnomAD 0.008%). This variant has not been reported in the literature in individuals affected with GREB1L-related conditions. An algorithm developed to predict the effect of missense changes on protein structure and function (PolyPhen-2) suggests that this variant is likely to be disruptive. In summary, the available evidence is currently insufficient to determine the role of this variant in disease. Therefore, it has been classified as a Variant of Uncertain Significance.